The following is an entry in ClinVar:

NM_006269.2(RP1):c.2623G>A (p.Asp875Asn)

Gene: RP1 (RP1 axonemal microtubule associated; plus strand). Cytogenetic location: 8q12.1.
Variant type: single nucleotide variant.
Coding change: c.2623G>A on transcript NM_006269.2 (MANE Select); coding-DNA position 2623, G replaced by A.
Protein change: p.Asp875Asn; replaces aspartic acid 875 with asparagine.
Molecular consequence: missense variant. On other transcripts: intron variant (1).
Genome position (GRCh38, 1-based): chr8:54,626,505, G>A. VCF-style: chr8-54626505-G-A. GRCh37 (hg19) VCF-style: chr8-55539065-G-A.
Other names: c.787+4217G>A (NM_001375654.1); short protein forms D875N.
Identifiers: ClinVar variation 3685848 (VCV003685848.2).

ClinVar aggregate classification (germline): Uncertain significance (1 of 4 stars; one submission).

gnomAD v4.1: 23 of 1,613,618 alleles (0.0014%); highest among the groups gnomAD compares: South Asian, 0.022%; no homozygotes.

Submission:

Labcorp Genetics (formerly Invitae), Labcorp
Classification: Uncertain significance. Last evaluated: 2025-07-30. Review status: criteria provided, single submitter. Criteria: Invitae Variant Classification Sherloc (09022015). Collection method: clinical testing. Allele origin: germline.
Comment: This sequence change replaces aspartic acid, which is acidic and polar, with asparagine, which is neutral and polar, at codon 875 of the RP1 protein (p.Asp875Asn). This variant is present in population databases (rs775022086, gnomAD 0.03%). This variant has not been reported in the literature in individuals affected with RP1-related conditions. ClinVar contains an entry for this variant (Variation ID: 3685848). An algorithm developed to predict the effect of missense changes on protein structure and function outputs the following: PolyPhen-2: "Benign". The asparagine amino acid residue is found in multiple mammalian species, which suggests that this missense change does not adversely affect protein function. In summary, the available evidence is currently insufficient to determine the role of this variant in disease. Therefore, it has been classified as a Variant of Uncertain Significance.